The following is an entry in ClinVar:

NM_006648.4(WNK2):c.1839C>G (p.Asp613Glu)

Gene: WNK2 (WNK lysine deficient protein kinase 2; plus strand). Cytogenetic location: 9q22.31.
Variant type: single nucleotide variant.
Coding change: c.1839C>G on transcript NM_006648.4 (MANE Select); coding-DNA position 1839, C replaced by G.
Protein change: p.Asp613Glu; replaces aspartic acid 613 with glutamic acid.
Molecular consequence: missense variant.
Genome position (GRCh38, 1-based): chr9:93,252,887, C>G. VCF-style: chr9-93252887-C-G. GRCh37 (hg19) VCF-style: chr9-96015169-C-G.
Other names: c.1839C>G, p.Asp613Glu (NM_001282394.3); short protein forms D613E.
Identifiers: ClinVar variation 3981724 (VCV003981724.1).

ClinVar aggregate classification (germline): Uncertain significance (1 of 4 stars; one submission).

Submission:

Ambry Genetics
Classification: Uncertain significance. Last evaluated: 2025-03-26. Review status: criteria provided, single submitter. Criteria: Ambry Variant Classification Scheme 2023. Collection method: clinical testing. Allele origin: germline.
Comment: The p.D613E variant (also known as c.1839C>G), located in coding exon 8 of the WNK2 gene, results from a C to G substitution at nucleotide position 1839. The aspartic acid at codon 613 is replaced by glutamic acid, an amino acid with highly similar properties. This amino acid position is conserved. In addition, this alteration is predicted to be tolerated by in silico analysis. Based on the available evidence, the clinical significance of this variant remains unclear.